The following is an entry in ClinVar:

NM_003923.3(FOXH1):c.923C>T (p.Pro308Leu)

Gene: FOXH1 (forkhead box H1; minus strand). Cytogenetic location: 8q24.3.
Variant type: single nucleotide variant.
Coding change: c.923C>T on transcript NM_003923.3 (MANE Select); coding-DNA position 923, C replaced by T.
Protein change: p.Pro308Leu; replaces proline 308 with leucine.
Molecular consequence: missense variant.
Genome position (GRCh38, 1-based): chr8:144,474,413, G>A on the plus strand (C>T on the coding strand, the complement: FOXH1 is on the minus strand). VCF-style: chr8-144474413-G-A. GRCh37 (hg19) VCF-style: chr8-145699796-G-A.
Other names: short protein forms P308L.
Identifiers: ClinVar variation 2181827 (VCV002181827.4), dbSNP rs781308579, ClinGen allele CA372723289.

ClinVar aggregate classification (germline): Uncertain significance (1 of 4 stars; one submission).

Conditions:
Holoprosencephaly sequence (HPE). Also called: Holoprosencephaly. Identifiers: Orphanet 2162, MedGen C0079541, MONDO:0016296, HP:0001360.

Allele frequency attached by ClinVar (database versions not stated): TOPMed below 0.00001.

Submission:

Labcorp Genetics (formerly Invitae), Labcorp
Classification: Uncertain significance for Holoprosencephaly sequence. Last evaluated: 2022-11-01. Review status: criteria provided, single submitter. Criteria: Invitae Variant Classification Sherloc (09022015). Collection method: clinical testing. Allele origin: germline.
Comment: Algorithms developed to predict the effect of missense changes on protein structure and function (SIFT, PolyPhen-2, Align-GVGD) all suggest that this variant is likely to be tolerated. This variant has not been reported in the literature in individuals affected with FOXH1-related conditions. This variant is present in population databases (no rsID available, gnomAD 0.006%). This sequence change replaces proline, which is neutral and non-polar, with leucine, which is neutral and non-polar, at codon 308 of the FOXH1 protein (p.Pro308Leu). In summary, the available evidence is currently insufficient to determine the role of this variant in disease. Therefore, it has been classified as a Variant of Uncertain Significance.